The following is an entry in ClinVar:

NM_020988.3(GNAO1):c.413A>G (p.Gln138Arg)

Gene: GNAO1 (G protein subunit alpha o1; plus strand). Cytogenetic location: 16q13.
Variant type: single nucleotide variant.
Coding change: c.413A>G on transcript NM_020988.3 (MANE Select); coding-DNA position 413, A replaced by G.
Protein change: p.Gln138Arg; replaces glutamine 138 with arginine.
Molecular consequence: missense variant.
Genome position (GRCh38, 1-based): chr16:56,328,740, A>G. VCF-style: chr16-56328740-A-G. GRCh37 (hg19) VCF-style: chr16-56362652-A-G.
Other names: c.413A>G, p.Gln138Arg (NM_138736.3); c.413A>G (NM_020988.2); short protein forms Q138R.
Identifiers: ClinVar variation 1441643 (VCV001441643.10), dbSNP rs1245351159, ClinGen allele CA395950369.
Genomic context (GRCh38, chr16:56,328,740, plus strand): 5'-AGCCCTTCTCTGCAGAGCTGCTTTCTGCCATGATGCGGCTCTGGGGCGACTCAGGAATCC[A>G]AGAGTGCTTCAACCGGTCCCGGGAGTATCAGCTCAACGACTCTGCCAAATAGTGAGTGTC-3'
Protein context (NP_066268.1, residues 128-148): MMRLWGDSGI[Gln138Arg]ECFNRSREYQ

ClinVar aggregate classification (germline): Uncertain significance. Review status: criteria provided, multiple submitters, no conflicts (2 of 4 stars). 2 submissions from 2 submitters: Uncertain significance (2). Last evaluated 2026-06-29.

Conditions:
Inborn genetic diseases. Identifiers: MedGen C0950123, MeSH D030342.
Early-infantile DEE. Also called: Early infantile epileptic encephalopathy; Ohtahara syndrome; Early infantile epileptic encephalopathy with suppression bursts. Identifiers: Orphanet 1934, MedGen C0393706, MONDO:0800491.

Allele frequency attached by ClinVar (database versions not stated): TOPMed below 0.00001; gnomAD 0.00001; gnomAD exomes 0.00001.
gnomAD v4.1: 16 of 1,614,140 alleles (0.00099%); highest among the groups gnomAD compares: Non-Finnish European, 0.0012%; no homozygotes.

Submissions (2):

Ambry Genetics
Classification: Uncertain significance for Inborn genetic diseases. Last evaluated: 2026-06-29. Review status: criteria provided, single submitter. Criteria: Ambry Variant Classification Scheme 2023. Collection method: clinical testing. Allele origin: germline.

Labcorp Genetics (formerly Invitae), Labcorp
Classification: Uncertain significance for Early-infantile DEE. Last evaluated: 2024-04-05. Review status: criteria provided, single submitter. Criteria: Invitae Variant Classification Sherloc (09022015). Collection method: clinical testing. Allele origin: germline.
Comment: This sequence change replaces glutamine, which is neutral and polar, with arginine, which is basic and polar, at codon 138 of the GNAO1 protein (p.Gln138Arg). This variant is not present in population databases (gnomAD no frequency). This variant has not been reported in the literature in individuals affected with GNAO1-related conditions. ClinVar contains an entry for this variant (Variation ID: 1441643). Advanced modeling of protein sequence and biophysical properties (such as structural, functional, and spatial information, amino acid conservation, physicochemical variation, residue mobility, and thermodynamic stability) has been performed at Invitae for this missense variant, however the output from this modeling did not meet the statistical confidence thresholds required to predict the impact of this variant on GNAO1 protein function. In summary, the available evidence is currently insufficient to determine the role of this variant in disease. Therefore, it has been classified as a Variant of Uncertain Significance.